The following is an entry in ClinVar:

ClinVar aggregate classification (germline): Uncertain significance (1 of 4 stars; one submission).

Conditions:
Hereditary cancer-predisposing syndrome. Also called: Neoplastic Syndromes, Hereditary; Tumor predisposition; Hereditary Cancer Syndrome; Hereditary neoplastic syndrome. Identifiers: Orphanet 140162, MedGen C0027672, MeSH D009386, MONDO:0015356.

Submission:

Ambry Genetics
Classification: Uncertain significance for Hereditary cancer-predisposing syndrome. Last evaluated: 2025-08-01. Review status: criteria provided, single submitter. Criteria: Ambry Variant Classification Scheme 2023. Collection method: clinical testing. Allele origin: germline.
Comment: The p.G967V variant (also known as c.2900G>T), located in coding exon 20 of the TSC1 gene, results from a G to T substitution at nucleotide position 2900. The glycine at codon 967 is replaced by valine, an amino acid with dissimilar properties. This amino acid position is not well conserved in available vertebrate species. In addition, the in silico prediction for this alteration is inconclusive. Based on the available evidence, the clinical significance of this variant remains unclear.

NM_000368.5(TSC1):c.2900G>T (p.Gly967Val)

Gene: TSC1 (TSC complex subunit 1; minus strand). Cytogenetic location: 9q34.13.
Variant type: single nucleotide variant.
Coding change: c.2900G>T on transcript NM_000368.5 (MANE Select); coding-DNA position 2900, G replaced by T.
Protein change: p.Gly967Val; replaces glycine 967 with valine.
Molecular consequence: missense variant. On other transcripts: non-coding transcript variant (5).
Genome position (GRCh38, 1-based): chr9:132,897,259, C>A on the plus strand (G>T on the coding strand, the complement: TSC1 is on the minus strand). VCF-style: chr9-132897259-C-A. GRCh37 (hg19) VCF-style: chr9-135772646-C-A.
Other names: c.2897G>T, p.Gly966Val (NM_001162426.2, NM_001406597.1, NM_001406598.1 and 2 more transcripts); c.2747G>T, p.Gly916Val (NM_001162427.2, NM_001406610.1); c.2537G>T, p.Gly846Val (NM_001362177.2, NM_001406618.1, NM_001406619.1 and 4 more transcripts); c.2900G>T, p.Gly967Val (NM_001406592.1, NM_001406593.1, NM_001406594.1 and 2 more transcripts); c.2885G>T, p.Gly962Val (NM_001406601.1, NM_001406602.1); c.2882G>T, p.Gly961Val (NM_001406603.1, NM_001406604.1); c.2858G>T, p.Gly953Val (NM_001406605.1, NM_001406606.1, NM_001406607.1); c.2534G>T, p.Gly845Val (NM_001406620.1, NM_001406621.1, NM_001406622.1 and 1 more transcripts); and 8 more; short protein forms G616V, G952V, G967V, G649V, G650V, G831V, G832V, G953V.
Identifiers: ClinVar variation 4192086 (VCV004192086.1).